The following is an entry in ClinVar:

ClinVar aggregate classification (germline): Uncertain significance. Review status: criteria provided, multiple submitters, no conflicts (2 of 4 stars). 2 submissions from 2 submitters: Uncertain significance (2). Last evaluated 2024-12-16.

Conditions:
Familial hemophagocytic lymphohistiocytosis 5. Also called: STXBP2-Related Familial Hemophagocytic Lymphohistiocytosis (STXBP2-fHLH). Identifiers: Orphanet 540, MedGen C2751293, MONDO:0013135, OMIM 613101.

Allele frequency attached by ClinVar (database versions not stated): ESP Exome Variant Server 0.00008; TOPMed 0.00008.
gnomAD v4.1: 48 of 1,611,604 alleles (0.003%); highest among the groups gnomAD compares: African/African-American, 0.041%; no homozygotes.

Submissions (2):

Labcorp Genetics (formerly Invitae), Labcorp
Classification: Uncertain significance for Familial hemophagocytic lymphohistiocytosis 5. Last evaluated: 2024-12-16. Review status: criteria provided, single submitter. Criteria: Invitae Variant Classification Sherloc (09022015). Collection method: clinical testing. Allele origin: germline.
Comment: This sequence change replaces threonine, which is neutral and polar, with arginine, which is basic and polar, at codon 505 of the STXBP2 protein (p.Thr505Arg). This variant is present in population databases (rs375024471, gnomAD 0.04%). This variant has not been reported in the literature in individuals affected with STXBP2-related conditions. ClinVar contains an entry for this variant (Variation ID: 642155). Invitae Evidence Modeling of protein sequence and biophysical properties (such as structural, functional, and spatial information, amino acid conservation, physicochemical variation, residue mobility, and thermodynamic stability) indicates that this missense variant is not expected to disrupt STXBP2 protein function with a negative predictive value of 95%. In summary, the available evidence is currently insufficient to determine the role of this variant in disease. Therefore, it has been classified as a Variant of Uncertain Significance.

GeneDx
Classification: Uncertain significance. Last evaluated: 2024-07-29. Review status: criteria provided, single submitter. Criteria: GeneDx Variant Classification Process June 2021. Collection method: clinical testing. Allele origin: germline. Affected: yes.
Comment: In silico analysis indicates that this missense variant does not alter protein structure/function; Has not been previously published as pathogenic or benign to our knowledge

NM_006949.4(STXBP2):c.1514C>G (p.Thr505Arg)

Gene: STXBP2 (syntaxin binding protein 2; plus strand). Cytogenetic location: 19p13.2.
Variant type: single nucleotide variant.
Coding change: c.1514C>G on transcript NM_006949.4 (MANE Select); coding-DNA position 1514, C replaced by G.
Protein change: p.Thr505Arg; replaces threonine 505 with arginine.
Molecular consequence: missense variant. On other transcripts: non-coding transcript variant (1).
Genome position (GRCh38, 1-based): chr19:7,647,223, C>G. VCF-style: chr19-7647223-C-G. GRCh37 (hg19) VCF-style: chr19-7712109-C-G.
Other names: c.1505C>G, p.Thr502Arg (NM_001127396.3); c.1547C>G, p.Thr516Arg (NM_001272034.2); short protein forms T505R, T502R, T516R.
Identifiers: ClinVar variation 642155 (VCV000642155.7), dbSNP rs375024471, ClinGen allele CA9144211.